The following is an entry in ClinVar:

ClinVar aggregate classification (germline): Uncertain significance. Review status: criteria provided, multiple submitters, no conflicts (2 of 4 stars). 2 submissions from 2 submitters: Uncertain significance (2). Last evaluated 2021-08-26.

Conditions:
Myopathy, myofibrillar, 9, with early respiratory failure (MFM9). Also called: EDSTROM MYOPATHY; MYOPATHY, PROXIMAL, WITH EARLY RESPIRATORY MUSCLE INVOLVEMENT; Myopathy, distal, with early respiratory failure, autosomal dominant; Hereditary myopathy with early respiratory failure. Identifiers: Orphanet 178464, Orphanet 34521, MedGen C1863599, MONDO:0011362, OMIM 603689.
Early-onset myopathy with fatal cardiomyopathy (CMYO5). Also called: CONGENITAL MYOPATHY 5 WITH CARDIOMYOPATHY; Salih Myopathy. Identifiers: Orphanet 289377, MedGen C2673677, MONDO:0012714, OMIM 611705. Disease mechanism: loss of function.
Hypertrophic cardiomyopathy 9. Also called: Familial hypertrophic cardiomyopathy 9. Identifiers: MedGen C1861065, MONDO:0013412, OMIM 613765.
Dilated cardiomyopathy 1G (CMD1G). Identifiers: Orphanet 154, MedGen C1858763, MONDO:0011400, OMIM 604145.
Tibial muscular dystrophy (TMD). Also called: UDD MYOPATHY; Tibial muscular dystrophy, tardive; Udd Distal Myopathy – Tibial Muscular Dystrophy. Identifiers: Orphanet 609, MedGen C1838244, MONDO:0010870, OMIM 600334.
Autosomal recessive limb-girdle muscular dystrophy type 2J (LGMDR10). Also called: MUSCULAR DYSTROPHY, LIMB-GIRDLE, AUTOSOMAL RECESSIVE 10; Limb-girdle muscular dystrophy, type 2J. Identifiers: Orphanet 140922, MedGen C1837342, MONDO:0012127, OMIM 608807.

Allele frequency attached by ClinVar (database versions not stated): gnomAD 0.00001; 1000 Genomes Project 30x 0.00016; 1000 Genomes Project 0.00020.
gnomAD v4.1: 4 of 1,613,436 alleles (0.00025%); highest among the groups gnomAD compares: East Asian, 0.0089%; no homozygotes.

Submissions (2):

Fulgent Genetics
Classification: Uncertain significance for Tibial muscular dystrophy; Myopathy, myofibrillar, 9, with early respiratory failure; Dilated cardiomyopathy 1G; Autosomal recessive limb-girdle muscular dystrophy type 2J; Early-onset myopathy with fatal cardiomyopathy; Hypertrophic cardiomyopathy 9. Last evaluated: 2021-08-26. Review status: criteria provided, single submitter. Criteria: ACMG Guidelines, 2015. Collection method: clinical testing. Allele origin: unknown.

GeneDx
Classification: Uncertain significance. Last evaluated: 2013-12-30. Review status: criteria provided, single submitter. Criteria: GeneDx Variant Classification (06012015). Collection method: clinical testing. Allele origin: germline. Affected: yes.
Comment: Missense variants in the TTN gene are considered 'unclassified' if they are not previously reported in the literature and do not have >1% frequency in the population to be considered a polymorphism. Research indicates that truncating mutations in the TTN gene are expected to account for approximately 25% of familial and 18% of sporadic idiopathic DCM; however, truncating variants in the TTN gene have been reported in approximately 3% of reported control alleles. There has been little investigation into non-truncating variants. (Herman D et al. Truncations of titin causing dilated cardiomyopathy. N Eng J Med 366:619-628, 2012) The variant is found in CARDIOMYOPATHY panel(s).

NM_133379.5(TTN):c.15676G>C (p.Asp5226His)

Gene: TTN (titin; minus strand). Cytogenetic location: 2q31.2.
Variant type: single nucleotide variant.
Coding change: c.15676G>C on transcript NM_133379.5; coding-DNA position 15676, G replaced by C.
Protein change: p.Asp5226His; replaces aspartic acid 5226 with histidine.
Molecular consequence: missense variant. On other transcripts: intron variant (6).
Genome position (GRCh38, 1-based): chr2:178,746,724, C>G on the plus strand (G>C on the coding strand, the complement: TTN is on the minus strand). VCF-style: chr2-178746724-C-G. GRCh37 (hg19) VCF-style: chr2-179611451-C-G.
Other names: p.D5226H:GAT>CAT; c.10223-4803G>C (NM_003319.4); c.10799-4803G>C (NM_133437.4); c.10598-4803G>C (NM_133432.3); c.10360+6400G>C (NM_133378.4); c.10361-4803G>C (NM_001256850.1); c.11312-4803G>C (NM_001267550.2); short protein forms D5226H.
Identifiers: ClinVar variation 203210 (VCV000203210.3), dbSNP rs147492121, ClinGen allele CA311689.